The following is an entry in ClinVar:

NM_203446.3(SYNJ1):c.2696C>T (p.Ser899Leu)

Gene: SYNJ1 (synaptojanin 1; minus strand). Cytogenetic location: 21q22.11.
Variant type: single nucleotide variant.
Coding change: c.2696C>T on transcript NM_203446.3 (MANE Select); coding-DNA position 2696, C replaced by T.
Protein change: p.Ser899Leu; replaces serine 899 with leucine.
Molecular consequence: missense variant.
Genome position (GRCh38, 1-based): chr21:32,656,786, G>A on the plus strand (C>T on the coding strand, the complement: SYNJ1 is on the minus strand). VCF-style: chr21-32656786-G-A. GRCh37 (hg19) VCF-style: chr21-34029096-G-A.
Other names: c.2696C>T, p.Ser899Leu (NM_001160302.2); c.2681C>T, p.Ser894Leu (NM_001160306.2); c.2813C>T, p.Ser938Leu (NM_003895.4); short protein forms S894L, S899L, S938L.
Identifiers: ClinVar variation 1506386 (VCV001506386.6), dbSNP rs2145851319, ClinGen allele CA410073640.

ClinVar aggregate classification (germline): Uncertain significance (1 of 4 stars; one submission).

Conditions:
Developmental and epileptic encephalopathy, 53. Also called: Epileptic encephalopathy, early infantile, 53. Identifiers: MedGen C4479313, MONDO:0033362, OMIM 617389.
Early-onset Parkinson disease 20. Also called: PARKINSON DISEASE 20, AUTOSOMAL RECESSIVE EARLY-ONSET. Identifiers: Orphanet 391411, MedGen C3809824, MONDO:0014233, OMIM 615530.

Allele frequency attached by ClinVar (database versions not stated): gnomAD exomes below 0.00001.
gnomAD v4.1: 3 of 1,614,084 alleles (0.00019%); highest among the groups gnomAD compares: Non-Finnish European, 0.00025%; no homozygotes.

Submission:

Labcorp Genetics (formerly Invitae), Labcorp
Classification: Uncertain significance for Developmental and epileptic encephalopathy, 53; Early-onset Parkinson disease 20. Last evaluated: 2021-08-17. Review status: criteria provided, single submitter. Criteria: Invitae Variant Classification Sherloc (09022015). Collection method: clinical testing. Allele origin: germline.
Comment: This sequence change replaces serine with leucine at codon 938 of the SYNJ1 protein (p.Ser938Leu). The serine residue is highly conserved and there is a large physicochemical difference between serine and leucine. This variant is not present in population databases (ExAC no frequency). This variant has not been reported in the literature in individuals affected with SYNJ1-related conditions. Algorithms developed to predict the effect of missense changes on protein structure and function are either unavailable or do not agree on the potential impact of this missense change (SIFT: "Deleterious"; PolyPhen-2: "Possibly Damaging"; Align-GVGD: "Class C0"). In summary, the available evidence is currently insufficient to determine the role of this variant in disease. Therefore, it has been classified as a Variant of Uncertain Significance.